The following is an entry in ClinVar:

ClinVar aggregate classification (germline): Pathogenic (1 of 4 stars; one submission).

Conditions:
Primary ciliary dyskinesia. Also called: Ciliary dyskinesia. Identifiers: Orphanet 244, MedGen C0008780, MONDO:0016575, HP:0012265.

Submission:

Labcorp Genetics (formerly Invitae), Labcorp
Classification: Pathogenic for Primary ciliary dyskinesia. Last evaluated: 2023-08-30. Review status: criteria provided, single submitter. Criteria: Invitae Variant Classification Sherloc (09022015). Collection method: clinical testing. Allele origin: germline.
Comment: This sequence change creates a premature translational stop signal (p.Ile225Asnfs*2) in the DRC1 gene. It is expected to result in an absent or disrupted protein product. Loss-of-function variants in DRC1 are known to be pathogenic (PMID: 23354437, 31960620). This variant is not present in population databases (gnomAD no frequency). For these reasons, this variant has been classified as Pathogenic. ClinVar contains an entry for this variant (Variation ID: 956836). This premature translational stop signal has been observed in individual(s) with DRC1-related conditions (Invitae).

Literature cited by the submitters: PubMed 23354437; PubMed 31960620.

NM_145038.5(DRC1):c.673dup (p.Ile225fs)

Gene: DRC1 (dynein regulatory complex subunit 1; plus strand). Cytogenetic location: 2p23.3.
Variant type: Duplication.
Coding change: c.673dup on transcript NM_145038.5 (MANE Select); coding-DNA position 673, one base duplicated (A; older notation c.673dupA).
Protein change: p.Ile225fs; shifts the reading frame from isoleucine 225.
Molecular consequence: frameshift variant.
Genome position (GRCh38, 1-based): chr2:26,429,760, A duplicated. VCF-style (leftmost placement, unchanged base first): chr2-26429759-C-CA. GRCh37 (hg19) VCF-style: chr2-26652627-C-CA.
Other names: short protein forms I225fs.
Identifiers: ClinVar variation 956836 (VCV000956836.8), dbSNP rs1663384249, ClinGen allele CA1139656780.